The following continues an entry in ClinVar:

NM_000552.5(VWF):c.3797C>T (p.Pro1266Leu)

Gene: VWF. ClinVar aggregate classification (germline): Likely benign. Likely benign (1).

Submissions 6 to 12 of 29:

Variantyx, Inc.
Classification: Likely pathogenic for von Willebrand disease type 2. Last evaluated: 2025-09-17. Review status: criteria provided, single submitter. Criteria: Variantyx Assertion Criteria 2022. Collection method: clinical testing. Allele origin: germline. Inheritance: Autosomal dominant inheritance. Affected: no. Not counted in ClinVar's aggregate classification.
Comment: This is a nonsynonymous variant also known as p.Pro503Leu in the VWF gene (OMIM: 613160). Pathogenic variants in this gene have been associated with autosomal dominant or autosomal recessive von Willebrand disease, types 2A, 2B, 2M, and 2N. Functional studies have shown that this variant alters VWF protein function (PMID: 8486782, 28640903) (PS3), which is consistent with a gain of function effect associated with VWD type2B (PMID: 16889557). This variant lies within a known hotspot for pathogenic variants or a well-established critical functional domain of the VWF protein (PMID: 31135071) (PM1). It has a 0.1049% maximum allele frequency in non-founder control populations (PM2). The p.Pro1266Leu variant is usually the result of gene conversion with a neighboring VWF pseudogene and may be present with other variants. It has been identified in multiple individuals with VWD in the homozygous, compound heterozygous, and heterozygous states (PMID: 8486782, 18485763, 18805962, 24675615). Moreover, alternate amino acid changes at this position have been reported in affected individuals; however, their pathogenicity has not been established (PMID: 28640903, 18805962). Based on the current evidence, this variant is classified as likely pathogenic for autosomal dominant or autosomal recessive von Willebrand disease, types 2A, 2B, 2M, and 2N. Inheritance from an unaffected or mildly affected parent has been reported, consistent with incomplete penetrance and variable expressivity (PMID: 18805962, 8486782).

Center for Genomic Medicine, Rigshospitalet, Copenhagen University Hospital
Classification: Likely pathogenic. Last evaluated: 2025-03-04. Review status: criteria provided, single submitter. Criteria: ACMG Guidelines, 2015. Collection method: clinical testing. Allele origin: germline. Not counted in ClinVar's aggregate classification.

New York Genome Center
Classification: Likely pathogenic for von Willebrand disease type 2; von Willebrand disease type 1. Last evaluated: 2025-02-07. Review status: criteria provided, single submitter. Criteria: NYGC Assertion Criteria 2020. Collection method: clinical testing. Allele origin: inherited. Observed: 1 variant allele, 1 heterozygote. Not counted in ClinVar's aggregate classification.
Comment: The c.3797C>T variant in VWF has previously been reported in both heterozygous and biallelic state in individuals with mild or atypical type 2B VWD (formerly referred as Malmo or New York type) [PMID:8486782, 18805962, 18485763, 20305138, 24675615, 26986123, 30817071, 32573891, 33942438]. The c.3797C>T variant in VWF was found to co-segregate with disease in multiple families [PMID:8486782] and it has been deposited in ClinVar [ClinVar ID: 314] as Pathogenic/Likely pathogenic by multiple submitters. The c.3797C>T variant is observed in 1077 alleles (~0.066% minor allele frequency with 2 homozygotes) on gnomAD v4.1.0; however, this minor allele frequency does not contradict the disease association for this phenotype. The c.3797C>T variant in VWF is in a mutational hotspot region of exon 28 [PMID:23179108] of this 52-exon gene and predicted to replace a moderately conserved proline amino acid with leucine at position 1266 located in the D3-A1 domain junction of the encoded protein [PMID:26986123]. In silico predictions are inconclusive of damaging effect for the p.(Pro1266Leu) variant [CADD v1.6 = 22.7, REVEL = 0.325]. Functional studies demonstrated enhanced VWF binding to platelets GPIb (~1.5-2 fold) in heterozygous and homozygous cells, respectively, carrying p. (Pro1266Leu) variant, however, showed no defect in multimer formation [PMID: 30488424, 33942438]. Additionally a different missense variant affecting the same amino acid residue (p.(Pro1266Gln)) has also been reported in the literature [PMID: 26986123] and ClinVar [ClinVar ID: 100279] in individuals with type 2B VWD. Based on available evidence this heterozygous c.3797C>T p.(Pro1266Leu) [legacy nomenclature p.Pro503Leu] variant identified in VWF is classified as likely pathogenic.

ARUP Laboratories, Molecular Genetics and Genomics, ARUP Laboratories
Classification: Pathogenic. Last evaluated: 2024-12-12. Review status: criteria provided, single submitter. Criteria: ARUP Molecular Germline Variant Investigation Process 2024. Collection method: clinical testing. Allele origin: germline. Not counted in ClinVar's aggregate classification.
Comment: The VWF c.3797C>T; p.Pro1266Leu variant (rs61749370), also known as Pro503Leu, has been described in the literature in individuals with von Willibrand disease (VWD) type 2B, though it is generally reported in individuals with normal VWF multimers (Casonato 2017, Federici 2009, Holmberg 1993, Veyradier 2016, Weiss 1986). This variant has been reported to co-segregate with disease in affected family members (Holmberg 1993, Weiss 1986), and disease is often described as mild (Federici 2009, Holmberg 1993). This variant is also commonly reported in cis to a p.Val1279Ile variant (James 2007). The p.Pro1266Leu variant is reported in ClinVar (Variation ID: 314), and it is found in the Finnish European population with an overall allele frequency of 0.37% (92/25086 alleles) in the Genome Aggregation Database. Computational analyses are uncertain whether this variant is neutral or deleterious (REVEL: 0.325). However, both patient samples and purified protein with the p.Pro1266Leu variant exhibit enhanced ristocitin-induced platelet aggregation relative to wildtype, consistent with type 2B VWD (Holmberg 1993, Weiss 1986). Additionally, another variant at this codon (p.Pro1266Gln) has been described in families with VWD and is considered pathogenic (Casonato 2017, Federici 2009). Based on available information, the p.Pro1266Leu variant is considered to be pathogenic. References: Casonato A et al. Type 2B von Willebrand disease with or without large multimers: A distinction of the two sides of the disorder is long overdue. PLoS One. 2017 Jun 22;12(6):e0179566. PMID: 28640903. Federici AB et al. Clinical and molecular predictors of thrombocytopenia and risk of bleeding in patients with von Willebrand disease type 2B: a cohort study of 67 patients. Blood. 2009 Jan 15;113(3):526-34. PMID: 18805962 Holmberg L et al. von Willebrand factor mutation enhancing interaction with platelets in patients with normal multimeric structure. J Clin Invest. 1993 May;91(5):2169-77. PMID: 8486782. James PD et al. The mutational spectrum of type 1 von Willebrand disease: Results from a Canadian cohort study. Blood. 2007 Jan 1;109(1):145-54. PMID: 17190853. Veyradier A et al. A Laboratory Phenotype/Genotype Correlation of 1167 French Patients From 670 Families With von Willebrand Disease: A New Epidemiologic Picture. Medicine (Baltimore). 2016 Mar;95(11):e3038. PMID: 26986123. Weiss HJ et al. A new von Willebrand variant (type I, New York): increased ristocetin-induced platelet aggregation and plasma von Willebrand factor containing the full range of multimers. Blood. 1986 Jul;68(1):149-56. PMID: 3487353.

Blueprint Genetics
Classification: Likely pathogenic for VWF-related disorders. Last evaluated: 2024-11-20. Review status: criteria provided, single submitter. Criteria: ACMG Guidelines, 2015. Collection method: clinical testing. Allele origin: germline. Affected: yes. Observed: 5 variant alleles. Not counted in ClinVar's aggregate classification.

Department of Pathology and Laboratory Medicine, Sinai Health System
Classification: Likely pathogenic for von Willebrand disease type 1; von Willebrand disease type 3. Last evaluated: 2023-08-31. Review status: criteria provided, single submitter. Criteria: ACMG Guidelines, 2015. Collection method: research. Allele origin: germline. Not counted in ClinVar's aggregate classification.

Victorian Clinical Genetics Services, Murdoch Childrens Research Institute
Classification: Pathogenic for von Willebrand disease type 2. Last evaluated: 2023-07-17. Review status: criteria provided, single submitter. Criteria: ACMG Guidelines, 2015. Collection method: clinical testing. Allele origin: germline. Inheritance: Autosomal dominant inheritance. Affected: no. Not counted in ClinVar's aggregate classification.
Comment: Based on the classification scheme VCGS_Germline_v1.3.4, this variant is classified as pathogenic. The following criteria are met: 0103 - Dominant negative, gain of function and loss of function are known mechanisms of disease in this gene and are associated with von Willebrand disease (OMIM, PMID: 30488424). (I) 0108 - This gene is associated with both recessive and dominant disease. VWD can be both dominantly and recessively inherited, and is categorised into six different types: 1 (MIM#193400), 2A, 2B, 2M, 2N (MIM#613554) and 3 (MIM#277480). (I) 0112 - The condition associated with this gene has incomplete penetrance (PMID: 19372260). (I) 0115 - Variants in this gene are known to have variable expressivity (PMID: 19372260). (I) 0200 - Variant is predicted to result in a missense amino acid change from proline to leucine. (I) 0251 - This variant is heterozygous. (I) 0304 - Variant is present in gnomAD (v2) <0.01 (232 heterozygotes, 1 homozygote). (SP) 0309 - An alternative amino acid change at the same position has been observed in gnomAD (v2) (72 heterozygotes, 2 homozygotes). (I) 0502 - Missense variant with conflicting in silico predictions and uninformative conservation. (I) 0600 - Variant is located in the annotated D3-A1 junction of the VWA N2 domain (NCBI, PMID: 26986123). (I) 0703 - Another missense variant comparable to the one identified in this case has moderate previous evidence for pathogenicity. This alternative change, p.(Pro1266Gln), has been reported as likely pathogenic and pathogenic, and has been identified in multiple heterozygous individuals with type 2B von Willebrand disease (vWD). It is common for these individuals to have additional variants in cis; however, these variants are often reported as VUS, likely benign and/or benign (LOVD, ClinVar, PMID: 18805962, 28971901, 30488424, 26986123, 28640903). (SP) 0801 - This variant has strong previous evidence of pathogenicity in unrelated individuals. This variant has been reported multiple times as likely pathogenic or pathogenic, and has been observed in many heterozygous individuals with type 2B VWD. It is common for heterozygous individuals to have additional variants in cis; however, these variants are often reported as VUS, likely benign and/or benign (ClinVar, PMID: 18805962, 28971901, 30817071, 28640903, 35307943). This variant has also been reported in patients with type 3 VWD in the context of a homozygous gene conversion event, where additional variants including nonsense variants are also present (PMID: 29984440, 31532876, 16115133). (SP) 1002 - This variant has moderate functional evidence supporting abnormal protein function. Individuals with this variant have demonstrated enhanced ristocitin-induced platelet aggregation relative to wildtype (PMID: 8486782). (I) Legend: (SP) - Supporting pathogenic, (I) - Information, (SB) - Supporting benign